The following is an entry in ClinVar:

NM_032043.3(BRIP1):c.2684_2687del (p.Val894_Ser895insTer)

Gene: BRIP1 (BRCA1 interacting DNA helicase 1; minus strand). Cytogenetic location: 17q23.2.
Variant type: Deletion.
Coding change: c.2684_2687del on transcript NM_032043.3 (MANE Select); coding-DNA positions 2684 to 2687, 4 bases deleted (CCAT; older notation c.2684_2687delCCAT).
Protein change: p.Val894_Ser895insTer.
Molecular consequence: nonsense.
Genome position (GRCh38, 1-based): chr17:61,686,054-61,686,057, ATGG deleted on the plus strand (CCAT on the coding strand, the reverse complement: BRIP1 is on the minus strand); deleting any 4 consecutive bases within chr17:61,686,054-61,686,059 gives the same sequence; the c. name uses the placement nearest the transcript's 3' end. VCF-style (leftmost placement, unchanged base first): chr17-61686053-TATGG-T. GRCh37 (hg19) VCF-style: chr17-59763414-TATGG-T.
Other names: c.2684_2687delCCAT (NM_032043.2).
Identifiers: ClinVar variation 241642 (VCV000241642.69), dbSNP rs760551339, ClinGen allele CA8690465.

ClinVar aggregate classification (germline): Pathogenic/Likely pathogenic. Review status: criteria provided, multiple submitters, no conflicts (2 of 4 stars). 20 submissions from 19 submitters: Pathogenic (15); Likely pathogenic (2). 3 of the submissions do not count toward it. Last evaluated 2026-01-10.

Conditions:
Familial ovarian cancer. Identifiers: MedGen C5679802, MONDO:0016248.
BRIP1-related disorder. Also called: BRIP1-related condition; BRIP1-related disorders. Identifiers: MedGen CN239206.
Breast and/or ovarian cancer. Identifiers: MedGen CN221562.
Hereditary cancer-predisposing syndrome. Also called: Tumor predisposition; Hereditary Cancer Syndrome; Neoplastic Syndromes, Hereditary; Hereditary neoplastic syndrome. Identifiers: Orphanet 140162, MedGen C0027672, MeSH D009386, MONDO:0015356.
Fanconi anemia complementation group J. Also called: BRIP1-Related Fanconi Anemia. Identifiers: Orphanet 84, MedGen C1836860, MONDO:0012187, OMIM 609054.
Familial cancer of breast. Also called: hereditary breast carcinoma; BREAST CANCER, FAMILIAL; Hereditary breast cancer. Identifiers: Orphanet 227535, MedGen C0346153, MONDO:0016419, OMIM 114480. Disease mechanism: loss of function.
Carcinoma of pancreas. Also called: PANCREATIC ACINAR CARCINOMA; PANCREATIC CARCINOMA; Exocrine pancreatic carcinoma; Pancreatic cancer, somatic; Pancreatic carcinoma, somatic. Identifiers: Orphanet 1333, Orphanet 217074, MedGen C0235974, MONDO:0005192. Disease mechanism: loss of function.
Ovarian neoplasm. Also called: Neoplasm of ovary; Ovarian Neoplasms; Ovarian tumor. Identifiers: MedGen C0919267, MeSH D010051, MONDO:0021068, HP:0100615.
Malignant tumor of breast. Also called: Cancer breast; Malignant breast neoplasm. Identifiers: MedGen C0006142, MONDO:0007254. Disease mechanism: loss of function.

Submissions 1 to 10 of 20:

Labcorp Genetics (formerly Invitae), Labcorp
Classification: Pathogenic for Familial cancer of breast; Fanconi anemia complementation group J. Last evaluated: 2026-01-10. Review status: criteria provided, single submitter. Criteria: Invitae Variant Classification Sherloc (09022015). Collection method: clinical testing. Allele origin: germline.
Comment: This sequence change creates a premature translational stop signal (p.Ser895*) in the BRIP1 gene. It is expected to result in an absent or disrupted protein product. Loss-of-function variants in BRIP1 are known to be pathogenic (PMID: 16116423, 17033622, 21964575). This variant is present in population databases (rs760551339, gnomAD 0.004%). This premature translational stop signal has been observed in individual(s) with breast cancer (PMID: 25330149). ClinVar contains an entry for this variant (Variation ID: 241642). For these reasons, this variant has been classified as Pathogenic.

PreventionGenetics, part of Exact Sciences
Classification: Pathogenic for BRIP1-related condition. Last evaluated: 2026-01-09. Review status: criteria provided, single submitter. Criteria: ACMG Guidelines, 2015. Collection method: clinical testing. Allele origin: germline.
Comment: The BRIP1 c.2684_2687delCCAT variant is predicted to result in premature protein termination (p.Ser895*). This variant has been reported in individuals with breast cancer, ovarian cancer, or pancreatic cancer (Cybulski et al. 2015. PubMed ID: 25330149; Table S7, Lilyquist et al. 2017. PubMed ID: 28888541; Table S3, Yurgelun et al. 2018. PubMed ID: 29961768). This variant is reported in 0.0040% of alleles in individuals of African descent in gnomAD and is interpreted as likely pathogenic/pathogenic in ClinVar (Variation ID: 241642). Nonsense variants in BRIP1 are expected to be pathogenic. This variant is interpreted as pathogenic.

Dasa
Classification: Pathogenic. Last evaluated: 2025-07-03. Review status: criteria provided, single submitter. Criteria: DASA Assertion Criteria. Collection method: clinical testing. Allele origin: germline.
Comment: NM_032043.3(BRIP1):c.2684_2687del (p.Ser895*) is a nonsense variant in BRIP1 predicted to introduce a premature termination codon and is predicted to result in an absent or altered protein product. Loss of function is an established disease mechanism for BRIP1 (PMID: 29368626; PMID: 26720728; PMID: 26315354). This variant has been reported in individuals with BRIP1-related disorders (PMID: 29368626). Also, this variant is absent from population databases. Based on the currently available evidence, this variant is classified as pathogenic.

Ambry Genetics
Classification: Pathogenic for Hereditary cancer-predisposing syndrome. Last evaluated: 2025-01-17. Review status: criteria provided, single submitter. Criteria: Ambry Variant Classification Scheme 2023. Collection method: clinical testing. Allele origin: germline.
Comment: The c.2684_2687delCCAT pathogenic mutation, located in coding exon 18 of the BRIP1 gene, results from a deletion of 4 nucleotides at nucleotide positions 2684 to 2687, causing a translational frameshift with a predicted alternate stop codon (p.S895*). In addition to the clinical data presented in the literature, this alteration is expected to result in loss of function by premature protein truncation or nonsense-mediated mRNA decay. As such, this alteration is interpreted as a disease-causing mutation.

Color Diagnostics, LLC DBA Color Health
Classification: Pathogenic for Hereditary cancer-predisposing syndrome. Last evaluated: 2024-05-24. Review status: criteria provided, single submitter. Criteria: ACMG Guidelines, 2015. Collection method: clinical testing. Allele origin: germline.
Comment: This variant deletes 4 nucleotides in exon 19 of the BRIP1 gene, creating a premature translation stop signal. This variant is expected to result in an absent or non-functional protein product. This variant has been reported in individuals affected with breast cancer, pancreatic cancer, gastrointestinal stromal tumor, or hyperplastic polyposis (PMID: 25330149, 29961768, 30680046, 31512090, 32885271, 33471991). This variant has been identified in 4/282712 chromosomes in the general population by the Genome Aggregation Database (gnomAD). Loss of BRIP1 function is a known mechanism of disease. Based on the available evidence, this variant is classified as Pathogenic.

Baylor Genetics
Classification: Pathogenic for Familial cancer of breast. Last evaluated: 2024-03-24. Review status: criteria provided, single submitter. Criteria: ACMG Guidelines, 2015. Collection method: clinical testing. Allele origin: unknown.

GeneDx
Classification: Pathogenic. Last evaluated: 2023-12-08. Review status: criteria provided, single submitter. Criteria: GeneDx Variant Classification Process June 2021. Collection method: clinical testing. Allele origin: germline. Affected: yes.
Comment: Nonsense variant predicted to result in protein truncation or nonsense mediated decay in a gene for which loss-of-function is a known mechanism of disease; Not observed at significant frequency in large population cohorts (gnomAD); This variant is associated with the following publications: (PMID: 29368626, 25330149, 26921362, 29922827, 29961768, 31589614, 32885271, 28888541, 33804961)

Institute of Medical Genetics and Applied Genomics, University Hospital Tübingen
Classification: Pathogenic for Familial cancer of breast. Last evaluated: 2023-10-11. Review status: criteria provided, single submitter. Criteria: ACMG Guidelines, 2015. Collection method: clinical testing. Allele origin: germline. Inheritance: Autosomal dominant inheritance. Affected: yes.

Victorian Clinical Genetics Services, Murdoch Childrens Research Institute
Classification: Pathogenic for Familial ovarian cancer. Last evaluated: 2023-07-16. Review status: criteria provided, single submitter. Criteria: ACMG Guidelines, 2015. Collection method: clinical testing. Allele origin: germline. Inheritance: Autosomal dominant inheritance.
Comment: Based on the classification scheme VCGS_Germline_v1.3.4, this variant is classified as Pathogenic. Following criteria are met: 0102 - Loss of function is a known mechanism of disease in this gene and is associated with complementation group J Fanconi anaemia (MIM#609054), susceptibility to early-onset breast cancer (MIM#114480) and ovarian cancer (National Comprehensive Cancer Network guidelines). (I) 0108 - This gene is associated with both recessive and dominant disease. Biallelic pathogenic variants are associated with complementation group J Fanconi anaemia, while monoallelic pathogenic variants are associated with increased susceptibility to cancer. (I) 0201 - Variant is predicted to cause nonsense-mediated decay (NMD) and loss of protein (premature termination codon is located at least 54 nucleotides upstream of the final exon-exon junction). (SP) 0251 - This variant is heterozygous. (I) 0304 - Variant is present in gnomAD (v2) <0.01 for a recessive condition (4 heterozygotes, 0 homozygotes). (SP) 0701 - Other NMD predicted variants comparable to the one identified in this case have very strong previous evidence for pathogenicity (DECIPHER) (SP) 0801 - This variant has strong previous evidence of pathogenicity in unrelated individuals. This variant has been classified as pathogenic by multiple clinical laboratories in ClinVar, and has been observed in several females with breast cancer or a strong family history of breast and ovarian cancer (PMIDs: 25330149, 31173646, 29368626). (SP) 1208 - Inheritance information for this variant is not currently available in this individual. (I) Legend: (SP) - Supporting pathogenic, (I) - Information, (SB) - Supporting benign

Myriad Genetics, Inc.
Classification: Pathogenic for Familial cancer of breast. Last evaluated: 2023-06-07. Review status: criteria provided, single submitter. Criteria: Myriad Autosomal Dominant, Autosomal Recessive and X-Linked Classification Criteria (2023). Collection method: clinical testing. Allele origin: unknown.
Comment: This variant is considered pathogenic. This variant creates a termination codon and is predicted to result in premature protein truncation.